The following is an entry in ClinVar:

ClinVar aggregate classification (germline): Conflicting classifications of pathogenicity. Review status: criteria provided, conflicting classifications (1 of 4 stars). 3 submissions from 3 submitters: Likely pathogenic (2); Uncertain significance (1). Last evaluated 2025-09-16.

Conditions:
TH-deficient dopa-responsive dystonia. Also called: Tyrosine Hydroxylase-Deficient Dopa-Responsive Dystonia; Segawa syndrome, autosomal recessive; DYT-TH. Identifiers: Orphanet 101150, MedGen C2673535, MONDO:0011551, OMIM 605407.

Allele frequency attached by ClinVar (database versions not stated): gnomAD exomes below 0.00001; TOPMed below 0.00001.
gnomAD v4.1: 4 of 1,551,724 alleles (0.00026%); highest among the groups gnomAD compares: Middle Eastern, 0.034%; no homozygotes.

Submissions (3):

Myriad Genetics, Inc.
Classification: Uncertain significance for TH-deficient dopa-responsive dystonia. Last evaluated: 2025-09-16. Review status: criteria provided, single submitter. Criteria: Myriad Autosomal Dominant, Autosomal Recessive and X-Linked Classification Criteria (2023). Collection method: clinical testing. Allele origin: unknown.
Comment: NM_199292.2(TH):c.1450C>T(R484C) is a missense variant classified as a variant of uncertain significance in the context of tyrosine hydroxylase deficiency. R484C has not been observed in cases with relevant disease. Relevant functional assessments of this variant are not available in the literature. R484C has not been observed in referenced population frequency databases. In summary, there is insufficient evidence to classify NM_199292.2(TH):c.1450C>T(R484C) as pathogenic or benign. Please note: this variant was assessed in the context of healthy population screening.

Labcorp Genetics (formerly Invitae), Labcorp
Classification: Likely pathogenic for TH-deficient dopa-responsive dystonia. Last evaluated: 2025-01-22. Review status: criteria provided, single submitter. Criteria: Invitae Variant Classification Sherloc (09022015). Collection method: clinical testing. Allele origin: germline.
Comment: This sequence change replaces arginine, which is basic and polar, with cysteine, which is neutral and slightly polar, at codon 484 of the TH protein (p.Arg484Cys). This variant is not present in population databases (gnomAD no frequency). This variant has not been reported in the literature in individuals affected with TH-related conditions. ClinVar contains an entry for this variant (Variation ID: 1524970). Invitae Evidence Modeling of protein sequence and biophysical properties (such as structural, functional, and spatial information, amino acid conservation, physicochemical variation, residue mobility, and thermodynamic stability) indicates that this missense variant is expected to disrupt TH protein function with a positive predictive value of 95%. This variant disrupts the p.Arg484 amino acid residue in TH. Other variant(s) that disrupt this residue have been determined to be pathogenic (PMID: 25181484). This suggests that this residue is clinically significant, and that variants that disrupt this residue are likely to be disease-causing. In summary, the currently available evidence indicates that the variant is pathogenic, but additional data are needed to prove that conclusively. Therefore, this variant has been classified as Likely Pathogenic.

Fulgent Genetics
Classification: Likely pathogenic for TH-deficient dopa-responsive dystonia. Last evaluated: 2024-03-20. Review status: criteria provided, single submitter. Criteria: ACMG Guidelines, 2015. Collection method: clinical testing. Allele origin: germline.

Literature cited by the submitters: PubMed 25181484 (cited by Labcorp Genetics (formerly Invitae), Labcorp).

NM_000360.4(TH):c.1357C>T (p.Arg453Cys)

Gene: TH (tyrosine hydroxylase; minus strand). Cytogenetic location: 11p15.5.
Variant type: single nucleotide variant.
Coding change: c.1357C>T on transcript NM_000360.4 (MANE Select); coding-DNA position 1357, C replaced by T.
Protein change: p.Arg453Cys; replaces arginine 453 with cysteine.
Molecular consequence: missense variant.
Genome position (GRCh38, 1-based): chr11:2,164,370, G>A on the plus strand (C>T on the coding strand, the complement: TH is on the minus strand). VCF-style: chr11-2164370-G-A. GRCh37 (hg19) VCF-style: chr11-2185600-G-A.
Other names: c.1450C>T, p.Arg484Cys (NM_199292.3); c.1438C>T, p.Arg480Cys (NM_199293.3); short protein forms R480C, R484C, R453C.
Identifiers: ClinVar variation 1524970 (VCV001524970.8), dbSNP rs755922032, ClinGen allele CA216281807.